The following is an entry in ClinVar:

NM_001135651.3(EIF2AK2):c.555G>A (p.Thr185=)

Gene: EIF2AK2 (eukaryotic translation initiation factor 2 alpha kinase 2; minus strand). Cytogenetic location: 2p22.2.
Variant type: single nucleotide variant.
Coding change: c.555G>A on transcript NM_001135651.3 (MANE Select); coding-DNA position 555, G replaced by A.
Protein change: p.Thr185=; no amino-acid change (threonine 185 retained).
Molecular consequence: synonymous variant.
Genome position (GRCh38, 1-based): chr2:37,138,547, C>T on the plus strand (G>A on the coding strand, the complement: EIF2AK2 is on the minus strand). VCF-style: chr2-37138547-C-T. GRCh37 (hg19) VCF-style: chr2-37365690-C-T.
Other names: c.555G>A, p.Thr185= (NM_001135652.3, NM_002759.4).
Identifiers: ClinVar variation 3701059 (VCV003701059.2).

ClinVar aggregate classification (germline): Uncertain significance (1 of 4 stars; one submission).

gnomAD v4.1: 10 of 1,613,956 alleles (0.00062%); highest among the groups gnomAD compares: South Asian, 0.0044%; no homozygotes.

Submission:

Labcorp Genetics (formerly Invitae), Labcorp
Classification: Uncertain significance. Last evaluated: 2024-07-19. Review status: criteria provided, single submitter. Criteria: Invitae Variant Classification Sherloc (09022015). Collection method: clinical testing. Allele origin: germline.
Comment: This sequence change affects codon 185 of the EIF2AK2 mRNA. It is a 'silent' change, meaning that it does not change the encoded amino acid sequence of the EIF2AK2 protein. This variant is present in population databases (no rsID available, gnomAD 0.01%). This variant has not been reported in the literature in individuals affected with EIF2AK2-related conditions. Algorithms developed to predict the effect of sequence changes on RNA splicing suggest that this variant may disrupt the consensus splice site. In summary, the available evidence is currently insufficient to determine the role of this variant in disease. Therefore, it has been classified as a Variant of Uncertain Significance.